The following is an entry in ClinVar:

NM_032520.5(GNPTG):c.316G>A (p.Gly106Ser)

Gene: GNPTG (N-acetylglucosamine-1-phosphate transferase subunit gamma; plus strand). Cytogenetic location: 16p13.3.
Variant type: single nucleotide variant.
Coding change: c.316G>A on transcript NM_032520.5 (MANE Select); coding-DNA position 316, G replaced by A.
Protein change: p.Gly106Ser; replaces glycine 106 with serine.
Molecular consequence: missense variant.
Genome position (GRCh38, 1-based): chr16:1,361,954, G>A. VCF-style: chr16-1361954-G-A. GRCh37 (hg19) VCF-style: chr16-1411955-G-A.
Other names: short protein forms G106S.
Identifiers: ClinVar variation 2799 (VCV000002799.21), dbSNP rs137852885, ClinGen allele CA340022.

ClinVar aggregate classification (germline): Pathogenic/Likely pathogenic. Review status: criteria provided, multiple submitters, no conflicts (2 of 4 stars). 8 submissions from 8 submitters: Pathogenic (3); Likely pathogenic (3). 2 of the submissions do not count toward it. Last evaluated 2026-01-04.

Conditions:
GNPTG-related disorder. Also called: GNPTG-related condition.
GNPTG-mucolipidosis. Also called: ML III GAMMA; ML IIIC; MUCOLIPIDOSIS III, COMPLEMENTATION GROUP C; MUCOLIPIDOSIS III, IRANIAN VARIANT FORM; MUCOLIPIDOSIS III, VARIANT FORM; Mucolipidosis type III gamma. Identifiers: Orphanet 423470, Orphanet 577, MedGen C1854896, MONDO:0009652, OMIM 252605.

Allele frequency attached by ClinVar (database versions not stated): gnomAD 0.00001; gnomAD exomes 0.00001; TOPMed 0.00001; ExAC 0.00002.
gnomAD v4.1: 32 of 1,613,376 alleles (0.002%); highest among the groups gnomAD compares: Non-Finnish European, 0.0025%; no homozygotes.

Submissions (8):

Labcorp Genetics (formerly Invitae), Labcorp
Classification: Pathogenic. Last evaluated: 2026-01-04. Review status: criteria provided, single submitter. Criteria: Invitae Variant Classification Sherloc (09022015). Collection method: clinical testing. Allele origin: germline.
Comment: This sequence change replaces glycine, which is neutral and non-polar, with serine, which is neutral and polar, at codon 106 of the GNPTG protein (p.Gly106Ser). This variant is present in population databases (rs137852885, gnomAD 0.002%). This missense change has been observed in individual(s) with mucolipidosis III (PMID: 15060128, 19370764). In at least one individual the data is consistent with being in trans (on the opposite chromosome) from a pathogenic variant. It has also been observed to segregate with disease in related individuals. ClinVar contains an entry for this variant (Variation ID: 2799). An algorithm developed to predict the effect of missense changes on protein structure and function (PolyPhen-2) suggests that this variant is likely to be disruptive. Experimental studies have shown that this missense change affects GNPTG function (PMID: 27038293). For these reasons, this variant has been classified as Pathogenic.

Natera, Inc.
Classification: Likely pathogenic for Mucolipidosis III gamma. Last evaluated: 2025-01-29. Review status: criteria provided, single submitter. Criteria: Natera Variant Classification Schema (03/2026). Collection method: clinical testing. Allele origin: germline.
Comment: The c.316G>A variant in GNPTG is a missense variant predicted to cause substitution of glycine to serine at amino acid 106. This variant is rare in the general population with a frequency below the threshold expected for the associated phenotype(s). This variant has been observed in one or more individuals affected with the associated recessive disease, as either homozygous or compound heterozygous with a second variant (PMID: 15060128, 19370764). Additionally, this variant has been observed to segregate in affected family members (PMID: 19370764). Functional studies show that this variant may disrupt protein function (PMID: 27038293). Computational prediction algorithms indicate this variant is likely to affect gene or protein function. Given the available evidence, this variant is classified as Likely Pathogenic.

Women's Health and Genetics/Laboratory Corporation of America, LabCorp
Classification: Pathogenic for GNPTG-mucolipidosis. Last evaluated: 2024-09-26. Review status: criteria provided, single submitter. Criteria: LabCorp Variant Classification Summary - May 2015. Collection method: clinical testing. Allele origin: germline.
Comment: Variant summary: GNPTG c.316G>A (p.Gly106Ser) results in a non-conservative amino acid change located in the Protein OS9-like domain (IPR012913) of the encoded protein sequence. Five of five in-silico tools predict a damaging effect of the variant on protein function. Consensus agreement among computation tools predict no significant impact on normal splicing. However, these predictions have yet to be confirmed by functional studies. The variant allele was found at a frequency of 8e-06 in 250048 control chromosomes (gnomAD). c.316G>A has been reported in the literature in individuals affected with Mucolipidosis III Gamma or lysosomal storage diseases, and this variant co-segregated with the disease (Raas-Rothschild_2004, Persichetti_2009 and Gheldof_2019). These data indicate that the variant is likely to be associated with disease. At least one publication reports experimental evidence evaluating an impact on protein function and this variant appears to alter protein subunit function (van Meel_2016). The following publications have been ascertained in the context of this evaluation (PMID: 30548430, 19370764, 15060128, 27038293). ClinVar contains an entry for this variant (Variation ID: 2799). Based on the evidence outlined above, the variant was classified as pathogenic.

Blueprint Genetics
Classification: Likely pathogenic for GNPTG-related disorders. Last evaluated: 2024-07-29. Review status: criteria provided, single submitter. Criteria: ACMG Guidelines, 2015. Collection method: clinical testing. Allele origin: germline. Affected: yes. Observed: 2 variant alleles.

Fulgent Genetics
Classification: Likely pathogenic for GNPTG-mucolipidosis. Last evaluated: 2024-05-30. Review status: criteria provided, single submitter. Criteria: ACMG Guidelines, 2015. Collection method: clinical testing. Allele origin: germline.

Genetics and Genomic Medicine Centre, NeuroGen Healthcare, NeuroGen Healthcare
Classification: Pathogenic for GNPTG-mucolipidosis. Last evaluated: 2021-01-19. Review status: criteria provided, single submitter. Criteria: Submitter's publication. Collection method: clinical testing. Allele origin: unknown. Affected: no.

OMIM
Classification: Pathogenic for MUCOLIPIDOSIS III GAMMA. Last evaluated: 2009-06-01. Review status: no assertion criteria provided. Collection method: literature only. Allele origin: germline. Not counted in ClinVar's aggregate classification.

GeneReviews
No classification provided. Condition: GNPTG-mucolipidosis. Review status: no classification provided. Collection method: literature only. Allele origin: unknown. Not counted in ClinVar's aggregate classification.

Literature cited by the submitters: PubMed 15060128 (cited by 3 submitters); PubMed 19370764 (cited by 4 submitters); PubMed 27038293 (cited by 3 submitters); PubMed 30548430 (cited by Women's Health and Genetics/Laboratory Corporation of America, LabCorp); PubMed 20301784 (cited by GeneReviews); NCBI Bookshelf NBK24701 (cited by GeneReviews).